The following is an entry in ClinVar:

NM_014000.3(VCL):c.1177-10C>A

Gene: VCL (vinculin; plus strand). Cytogenetic location: 10q22.2.
Variant type: single nucleotide variant.
Coding change: c.1177-10C>A on transcript NM_014000.3 (MANE Select); 10 bases into the intron before coding-DNA position 1177, C replaced by A.
Molecular consequence: intron variant.
Genome position (GRCh38, 1-based): chr10:74,090,013, C>A. VCF-style: chr10-74090013-C-A. GRCh37 (hg19) VCF-style: chr10-75849771-C-A.
Other names: c.1177-10C>A (NM_003373.4).
Identifiers: ClinVar variation 1431580 (VCV001431580.8), dbSNP rs1839852311, ClinGen allele CA1919903292.

ClinVar aggregate classification (germline): Uncertain significance (1 of 4 stars; one submission).

Conditions:
Dilated cardiomyopathy 1W (CMD1W). Identifiers: Orphanet 154, MedGen C1969639, MONDO:0012667, OMIM 611407.

Allele frequency attached by ClinVar (database versions not stated): gnomAD exomes below 0.00001; TOPMed 0.00001.
gnomAD v4.1: 1 of 1,614,152 alleles (0.000062%); highest among the groups gnomAD compares: Admixed American, 0.0017%; no homozygotes.

Submission:

Labcorp Genetics (formerly Invitae), Labcorp
Classification: Uncertain significance for Dilated cardiomyopathy 1W. Last evaluated: 2022-07-19. Review status: criteria provided, single submitter. Criteria: Invitae Variant Classification Sherloc (09022015). Collection method: clinical testing. Allele origin: germline.
Comment: In summary, the available evidence is currently insufficient to determine the role of this variant in disease. Therefore, it has been classified as a Variant of Uncertain Significance. Algorithms developed to predict the effect of sequence changes on RNA splicing suggest that this variant may create or strengthen a splice site. ClinVar contains an entry for this variant (Variation ID: 1431580). This variant has not been reported in the literature in individuals affected with VCL-related conditions. This variant is not present in population databases (gnomAD no frequency). This sequence change falls in intron 9 of the VCL gene. It does not directly change the encoded amino acid sequence of the VCL protein.